The following is an entry in ClinVar:

NM_006904.7(PRKDC):c.2433T>A (p.Asn811Lys)

Gene: PRKDC (protein kinase, DNA-activated, catalytic subunit; minus strand). Cytogenetic location: 8q11.21.
Variant type: single nucleotide variant.
Coding change: c.2433T>A on transcript NM_006904.7 (MANE Select); coding-DNA position 2433, T replaced by A.
Protein change: p.Asn811Lys; replaces asparagine 811 with lysine.
Molecular consequence: missense variant.
Genome position (GRCh38, 1-based): chr8:47,918,370, A>T on the plus strand (T>A on the coding strand, the complement: PRKDC is on the minus strand). VCF-style: chr8-47918370-A-T. GRCh37 (hg19) VCF-style: chr8-48830930-A-T.
Other names: c.2433T>A, p.Asn811Lys (NM_001081640.2); short protein forms N811K.
Identifiers: ClinVar variation 3225794 (VCV003225794.1), dbSNP rs967068586, ClinGen allele CA176161350.
Genomic context (GRCh38, chr8:47,918,370, plus strand): 5'-TAACACCACTTTATTAAATCCTTTCTGGGCAGCCCGAGAAAGAGCTGACACTTCCCAGTT[A>T]TTCTTGGTCTCATCTATCAATAGTAAACGAAAATAAATTTAAAATAGCACTCATTCATTC-3'
Protein context (NP_008835.5, residues 801-821): KTSALSDETK[Asn811Lys]NWEVSALSRA

ClinVar aggregate classification (germline): Uncertain significance (1 of 4 stars; one submission).

Submission:

Ambry Genetics
Classification: Uncertain significance. Last evaluated: 2024-02-25. Review status: criteria provided, single submitter. Criteria: Ambry Variant Classification Scheme 2023. Collection method: clinical testing. Allele origin: germline.
Comment: The p.N811K variant (also known as c.2433T>A), located in coding exon 22 of the PRKDC gene, results from a T to A substitution at nucleotide position 2433. The asparagine at codon 811 is replaced by lysine, an amino acid with similar properties. This amino acid position is conserved. In addition, this alteration is predicted to be tolerated by in silico analysis. Based on the available evidence, the clinical significance of this alteration remains unclear.